The following is an entry in ClinVar:

ClinVar aggregate classification (germline): Conflicting classifications of pathogenicity. Review status: criteria provided, conflicting classifications (1 of 4 stars). 3 submissions from 3 submitters: Likely pathogenic (2); Uncertain significance (1). Last evaluated 2024-09-26.

Conditions:
Gaucher disease-ophthalmoplegia-cardiovascular calcification syndrome. Also called: GAUCHER DISEASE, TYPE IIIC. Identifiers: Orphanet 2072, MedGen C1856476, MONDO:0009268, OMIM 231005.
Gaucher disease type I (GD1). Also called: Type 1 Gaucher Disease; GAUCHER DISEASE, NONCEREBRAL JUVENILE; GBA DEFICIENCY; GD I; GLUCOCEREBROSIDASE DEFICIENCY; GD 1. Identifiers: Orphanet 355, Orphanet 77259, MedGen C1961835, MONDO:0009265, OMIM 230800.
Gaucher disease type II (GD2). Also called: Type 2 Gaucher disease (Acute; Infantile); GAUCHER DISEASE, ACUTE NEURONOPATHIC TYPE; GD II; Acute neuronopathic Gaucher's disease. Identifiers: Orphanet 77260, MedGen C0268250, MONDO:0009266, OMIM 230900.
Gaucher disease type III. Also called: Type 3 Gaucher disease (Subacute; Juvenile); GAUCHER DISEASE, CHRONIC NEURONOPATHIC TYPE; GAUCHER DISEASE, JUVENILE AND ADULT, CEREBRAL; GAUCHER DISEASE, SUBACUTE NEURONOPATHIC TYPE; GD III; Gaucher Disease, Type 3. Identifiers: Orphanet 355, Orphanet 77261, MedGen C0268251, MONDO:0009267, OMIM 231000.
Gaucher disease. Also called: Acute cerebral Gaucher disease; Cerebroside lipidosis syndrome; Gaucher splenomegaly; Sphingolipidosis 1; Glucocerebrosidosis; Glucosylceramidase deficiency. Identifiers: Orphanet 355, MedGen C0017205, MONDO:0018150.

Allele frequency attached by ClinVar (database versions not stated): gnomAD exomes below 0.00001.
gnomAD v4.1: 1 of 1,614,002 alleles (0.000062%); highest among the groups gnomAD compares: Non-Finnish European, 0.000085%; no homozygotes.

Submissions (3):

Natera, Inc.
Classification: Likely pathogenic for Gaucher disease. Last evaluated: 2024-09-26. Review status: criteria provided, single submitter. Criteria: Natera Variant Classification Schema (03/2026). Collection method: clinical testing. Allele origin: germline.
Comment: The c.929G>A variant in GBA1 is a missense variant predicted to cause substitution of serine to asparagine at amino acid 310. This variant is rare in the general population with a frequency below the threshold expected for the associated phenotype(s). This variant has been observed in one or more individuals affected with the associated recessive disease, as either homozygous or compound heterozygous with a second variant (PMID: 9153297). Functional studies show that this variant may disrupt protein function (PMID: 9153297). A different variant at the same position has been determined to be Pathogenic or Likely Pathogenic. Given the available evidence, this variant is classified as Likely Pathogenic.

Revvity Omics, Revvity
Classification: Uncertain significance. Last evaluated: 2019-08-09. Review status: criteria provided, single submitter. Criteria: ACMG Guidelines, 2015. Collection method: clinical testing. Allele origin: germline.

Baylor Genetics
Classification: Likely pathogenic for Gaucher disease type I; Gaucher disease type II; Gaucher disease type III; Gaucher disease-ophthalmoplegia-cardiovascular calcification syndrome. Review status: criteria provided, single submitter. Criteria: ACMG Guidelines, 2015. Collection method: clinical testing. Allele origin: germline.

Literature cited by the submitters: PubMed 9153297 (cited by Natera, Inc.).

NM_000157.4(GBA1):c.929G>A (p.Ser310Asn)

Genes: GBA1 (glucosylceramidase beta 1; minus strand), LOC106627981 (GBA recombination region; plus strand). Cytogenetic location: 1q22.
Variant type: single nucleotide variant.
Coding change: c.929G>A on transcript NM_000157.4 (MANE Select); coding-DNA position 929, G replaced by A.
Protein change: p.Ser310Asn; replaces serine 310 with asparagine.
Molecular consequence: missense variant.
Genome position (GRCh38, 1-based): chr1:155,237,411, C>T on the plus strand (G>A on the coding strand, the complement: GBA1 is on the minus strand). VCF-style: chr1-155237411-C-T. GRCh37 (hg19) VCF-style: chr1-155207202-C-T.
Other names: c.929G>A, p.Ser310Asn (NM_001005741.3, NM_001005742.3); c.668G>A, p.Ser223Asn (NM_001171811.2); c.782G>A, p.Ser261Asn (NM_001171812.2); c.929G>A (NM_001005741.2, NM_000157.3); short protein forms S223N, S261N, S310N.
Identifiers: ClinVar variation 813339 (VCV000813339.5), dbSNP rs74731340, ClinGen allele CA30895320.
Genomic context (GRCh38, chr1:155,237,411, plus strand): 5'-CAGTGGGGCAGCAGCAAGCGTTGGTCATCCAGCATGAGTAGGCGGACATTGTGGTGAGTA[C>T]TGTTGGCGAGGGTAGGACCTAGGTCACGGGCAATGAAGTCTCGCTGATGTTCAGGGGTGA-3'
Protein context (NP_000148.2, residues 300-320): ARDLGPTLAN[Ser310Asn]THHNVRLLML